The following is an entry in ClinVar:

NM_001103.4(ACTN2):c.1975-5C>G

Gene: ACTN2 (actinin alpha 2; plus strand). Cytogenetic location: 1q43.
Variant type: single nucleotide variant.
Coding change: c.1975-5C>G on transcript NM_001103.4 (MANE Select); 5 bases into the intron before coding-DNA position 1975, C replaced by G.
Molecular consequence: intron variant.
Genome position (GRCh38, 1-based): chr1:236,755,014, C>G. VCF-style: chr1-236755014-C-G. GRCh37 (hg19) VCF-style: chr1-236918314-C-G.
Other names: c.1351-5C>G (NM_001278344.2); c.1975-5C>G (NM_001278343.2, NM_001103.2).
Identifiers: ClinVar variation 1424068 (VCV001424068.10), dbSNP rs369148572, ClinGen allele CA1473320.
Genomic context (GRCh38, chr1:236,755,014, plus strand): 5'-GCCGAGCTCCCTTAGAGGGCACTTCACTCTGCTTCTCTCTCTGCTTGCTCACTCGCCCCC[C>G]TCAGGAGATTGCCCGGAGCTCCATCCAGATCACAGGAGCCCTGGAAGACCAGATGAACCA-3'

ClinVar aggregate classification (germline): Conflicting classifications of pathogenicity. Review status: criteria provided, conflicting classifications (1 of 4 stars). 2 submissions from 2 submitters: Uncertain significance (1); Likely benign (1). Last evaluated 2025-11-01.

Conditions:
Primary familial hypertrophic cardiomyopathy (HCM). Identifiers: Orphanet 99739, MedGen C0949658, MeSH D024741, MONDO:0024573. Inheritance: Various modes of inheritance.
Dilated cardiomyopathy 1AA (CMD1AA). Also called: CARDIOMYOPATHY, DILATED, 1AA, WITH OR WITHOUT LEFT VENTRICULAR NONCOMPACTION; CARDIOMYOPATHY, FAMILIAL HYPERTROPHIC, 23, WITH OR WITHOUT LEFT VENTRICULAR NONCOMPACTION; Cardiomyopathy, dilated, 1AA, with or without LVNC. Identifiers: Orphanet 154, MedGen C2677338, MONDO:0012808, OMIM 612158.
Cardiovascular phenotype. Identifiers: MedGen CN230736.

Allele frequency attached by ClinVar (database versions not stated): gnomAD exomes 0.00001; ExAC 0.00002; ESP Exome Variant Server 0.00015.
gnomAD v4.1: 23 of 1,614,080 alleles (0.0014%); highest among the groups gnomAD compares: African/African-American, 0.008%; no homozygotes.

Submissions (2):

Labcorp Genetics (formerly Invitae), Labcorp
Classification: Likely benign for Primary familial hypertrophic cardiomyopathy; Dilated cardiomyopathy 1AA. Last evaluated: 2025-11-01. Review status: criteria provided, single submitter. Criteria: Invitae Variant Classification Sherloc (09022015). Collection method: clinical testing. Allele origin: germline.

Ambry Genetics
Classification: Uncertain significance for Cardiovascular phenotype. Last evaluated: 2023-04-16. Review status: criteria provided, single submitter. Criteria: Ambry Variant Classification Scheme 2023. Collection method: clinical testing. Allele origin: germline.
Comment: The c.1975-5C>G intronic variant results from a C to G substitution 5 nucleotides upstream from coding exon 17 in the ACTN2 gene. This nucleotide position is poorly conserved in available vertebrate species. In silico splice site analysis predicts that this alteration will not have any significant effect on splicing. Since supporting evidence is limited at this time, the clinical significance of this alteration remains unclear.